The following is an entry in ClinVar:

NM_006206.6(PDGFRA):c.1980G>T (p.Leu660Phe)

Gene: PDGFRA (platelet derived growth factor receptor alpha; plus strand). Cytogenetic location: 4q12.
Variant type: single nucleotide variant.
Coding change: c.1980G>T on transcript NM_006206.6 (MANE Select); coding-DNA position 1980, G replaced by T.
Protein change: p.Leu660Phe; replaces leucine 660 with phenylalanine.
Molecular consequence: missense variant.
Genome position (GRCh38, 1-based): chr4:54,277,984, G>T. VCF-style: chr4-54277984-G-T. GRCh37 (hg19) VCF-style: chr4-55144151-G-T.
Other names: c.1980G>T, p.Leu660Phe (NM_001347827.2, NM_001347829.2); c.2055G>T, p.Leu685Phe (NM_001347828.2); c.2019G>T, p.Leu673Phe (NM_001347830.2); short protein forms L660F, L673F, L685F.
Identifiers: ClinVar variation 3624771 (VCV003624771.3).

ClinVar aggregate classification (germline): Uncertain significance. Review status: criteria provided, multiple submitters, no conflicts (2 of 4 stars). 2 submissions from 2 submitters: Uncertain significance (2). Last evaluated 2026-03-04.

Conditions:
Gastrointestinal stromal tumor. Also called: Gastrointestinal stromal tumor, somatic; Gastrointestinal stroma tumor. Identifiers: Orphanet 44890, MedGen C0238198, MeSH D046152, MONDO:0011719, OMIM 606764, HP:0100723.
Hereditary cancer-predisposing syndrome. Also called: Neoplastic Syndromes, Hereditary; Tumor predisposition; Hereditary Cancer Syndrome; Hereditary neoplastic syndrome. Identifiers: Orphanet 140162, MedGen C0027672, MeSH D009386, MONDO:0015356.

gnomAD v4.1: 2 of 1,611,556 alleles (0.00012%); highest among the groups gnomAD compares: Non-Finnish European, 0.000085%; no homozygotes.

Submissions (2):

Ambry Genetics
Classification: Uncertain significance for Hereditary cancer-predisposing syndrome. Last evaluated: 2026-03-04. Review status: criteria provided, single submitter. Criteria: Ambry Variant Classification Scheme 2023. Collection method: clinical testing. Allele origin: germline.
Comment: The p.L660F variant (also known as c.1980G>T), located in coding exon 13 of the PDGFRA gene, results from a G to T substitution at nucleotide position 1980. The leucine at codon 660 is replaced by phenylalanine, an amino acid with highly similar properties. This amino acid position is conserved. In addition, this alteration is predicted to be deleterious by in silico analysis. Based on the available evidence, the clinical significance of this variant remains unclear.

Labcorp Genetics (formerly Invitae), Labcorp
Classification: Uncertain significance for Gastrointestinal stromal tumor. Last evaluated: 2025-03-27. Review status: criteria provided, single submitter. Criteria: Invitae Variant Classification Sherloc (09022015). Collection method: clinical testing. Allele origin: germline.
Comment: This sequence change replaces leucine, which is neutral and non-polar, with phenylalanine, which is neutral and non-polar, at codon 660 of the PDGFRA protein (p.Leu660Phe). This variant is not present in population databases (gnomAD no frequency). This variant has not been reported in the literature in individuals affected with PDGFRA-related conditions. Invitae Evidence Modeling of protein sequence and biophysical properties (such as structural, functional, and spatial information, amino acid conservation, physicochemical variation, residue mobility, and thermodynamic stability) indicates that this missense variant is not expected to disrupt PDGFRA protein function with a negative predictive value of 80%. In summary, the available evidence is currently insufficient to determine the role of this variant in disease. Therefore, it has been classified as a Variant of Uncertain Significance.